The following is an entry in ClinVar:

NM_001039.4(SCNN1G):c.835A>T (p.Met279Leu)

Gene: SCNN1G (sodium channel epithelial 1 subunit gamma; plus strand). Cytogenetic location: 16p12.2.
Variant type: single nucleotide variant.
Coding change: c.835A>T on transcript NM_001039.4 (MANE Select); coding-DNA position 835, A replaced by T.
Protein change: p.Met279Leu; replaces methionine 279 with leucine.
Molecular consequence: missense variant.
Genome position (GRCh38, 1-based): chr16:23,194,196, A>T. VCF-style: chr16-23194196-A-T. GRCh37 (hg19) VCF-style: chr16-23205517-A-T.
Other names: c.835A>T (NM_001039.3); short protein forms M279L.
Identifiers: ClinVar variation 2068785 (VCV002068785.8), dbSNP rs147244467, ClinGen allele CA7959677.

ClinVar aggregate classification (germline): Uncertain significance. Review status: criteria provided, multiple submitters, no conflicts (2 of 4 stars). 3 submissions from 3 submitters: Uncertain significance (3). Last evaluated 2025-11-26.

Conditions:
Inborn genetic diseases. Identifiers: MedGen C0950123, MeSH D030342.
Pseudohypoaldosteronism, type IB3, autosomal recessive (PHA1B3). Identifiers: MedGen C5774256, MONDO:0859318, OMIM 620126.
Bronchiectasis with or without elevated sweat chloride 3 (BESC3). Identifiers: Orphanet 60033, MedGen C2751324, MONDO:0013112, OMIM 613071.
Liddle syndrome 2. Identifiers: MedGen C4748251, MONDO:0020854, OMIM 618114.

Allele frequency attached by ClinVar (database versions not stated): gnomAD exomes 0.00001; ExAC 0.00004; gnomAD 0.00007; TOPMed 0.00008; 1000 Genomes Project 30x 0.00016; 1000 Genomes Project 0.00020; ESP Exome Variant Server 0.00023.
gnomAD v4.1: 18 of 1,613,832 alleles (0.0011%); highest among the groups gnomAD compares: African/African-American, 0.023%; no homozygotes.

Submissions (3):

Ambry Genetics
Classification: Uncertain significance for Inborn genetic diseases. Last evaluated: 2025-11-26. Review status: criteria provided, single submitter. Criteria: Ambry Variant Classification Scheme 2023. Collection method: clinical testing. Allele origin: germline.

Labcorp Genetics (formerly Invitae), Labcorp
Classification: Uncertain significance. Last evaluated: 2025-06-12. Review status: criteria provided, single submitter. Criteria: Invitae Variant Classification Sherloc (09022015). Collection method: clinical testing. Allele origin: germline.
Comment: This sequence change replaces methionine, which is neutral and non-polar, with leucine, which is neutral and non-polar, at codon 279 of the SCNN1G protein (p.Met279Leu). This variant is present in population databases (rs147244467, gnomAD 0.03%). This variant has not been reported in the literature in individuals affected with SCNN1G-related conditions. ClinVar contains an entry for this variant (Variation ID: 2068785). Invitae Evidence Modeling of protein sequence and biophysical properties (such as structural, functional, and spatial information, amino acid conservation, physicochemical variation, residue mobility, and thermodynamic stability) indicates that this missense variant is not expected to disrupt SCNN1G protein function with a negative predictive value of 80%. In summary, the available evidence is currently insufficient to determine the role of this variant in disease. Therefore, it has been classified as a Variant of Uncertain Significance.

Fulgent Genetics
Classification: Uncertain significance for Bronchiectasis with or without elevated sweat chloride 3; Liddle syndrome 2; Pseudohypoaldosteronism, type IB3, autosomal recessive. Last evaluated: 2024-06-11. Review status: criteria provided, single submitter. Criteria: ACMG Guidelines, 2015. Collection method: clinical testing. Allele origin: germline.